The following is an entry in ClinVar:

NM_005902.4(SMAD3):c.785del (p.Asp262fs)

Gene: SMAD3 (SMAD family member 3; plus strand). Cytogenetic location: 15q22.33.
Variant type: Deletion.
Coding change: c.785del on transcript NM_005902.4 (MANE Select); coding-DNA position 785, one base deleted (A; older notation c.785delA).
Protein change: p.Asp262fs; shifts the reading frame from aspartic acid 262.
Molecular consequence: frameshift variant.
Genome position (GRCh38, 1-based): chr15:67,181,367, A deleted. VCF-style (leftmost placement, unchanged base first): chr15-67181366-GA-G. GRCh37 (hg19) VCF-style: chr15-67473704-GA-G.
Other names: c.470del, p.Asp157fs (NM_001145102.2, NM_001407016.1); c.653del, p.Asp218fs (NM_001145103.2, NM_001407012.1); c.200del, p.Asp67fs (NM_001145104.2, NM_001407017.1); c.785del, p.Asp262fs (NM_001407011.1, NM_001407013.1); c.638del, p.Asp213fs (NM_001407014.1); c.338del, p.Asp113fs (NM_001407015.1); short protein forms D113fs, D157fs, D213fs, D218fs, D262fs, D67fs.
Identifiers: ClinVar variation 3382288 (VCV003382288.2).

ClinVar aggregate classification (germline): Likely pathogenic (1 of 4 stars; one submission).

Conditions:
Aneurysm-osteoarthritis syndrome. Also called: LOEYS-DIETZ SYNDROME WITH OSTEOARTHRITIS; SMAD3-Related Loeys-Dietz Syndrome; ANEURYSMS-OSTEOARTHRITIS SYNDROME; Loeys-Dietz syndrome, type 1C. Identifiers: Orphanet 284984, MedGen C3151087, MONDO:0013426, OMIM 613795.

Submission:

Juno Genomics, Hangzhou Juno Genomics, Inc
Classification: Likely pathogenic for Aneurysm-osteoarthritis syndrome. Review status: criteria provided, single submitter. Criteria: ACMG Guidelines, 2015. Collection method: clinical testing. Allele origin: germline. Affected: yes.
Comment: Absent from controls (or at extremely low frequency if recessive) in Genome Aggregation Database, Exome Sequencing Project, 1000 Genomes Project, or Exome Aggregation Consortium.;Null variant in a gene where loss of function (LOF) is a known mechanism of disease.